The following is an entry in ClinVar:

ClinVar aggregate classification (germline): Pathogenic (1 of 4 stars; one submission).

Conditions:
Joubert syndrome. Also called: CEREBELLOPARENCHYMAL DISORDER IV; JOUBERT-BOLTSHAUSER SYNDROME; Familial aplasia of the vermis. Identifiers: Orphanet 475, MedGen C5979921, MONDO:0018772.
Meckel-Gruber syndrome. Also called: DYSENCEPHALIA SPLANCHNOCYSTICA; GRUBER SYNDROME; Dysencephalia splachnocystica. Identifiers: Orphanet 564, MedGen C0265215, MONDO:0018921.

Submission:

Labcorp Genetics (formerly Invitae), Labcorp
Classification: Pathogenic for Joubert syndrome; Meckel-Gruber syndrome. Last evaluated: 2023-12-22. Review status: criteria provided, single submitter. Criteria: Invitae Variant Classification Sherloc (09022015). Collection method: clinical testing. Allele origin: germline.
Comment: This sequence change creates a premature translational stop signal (p.Asn89Lysfs*7) in the TMEM67 gene. It is expected to result in an absent or disrupted protein product. Loss-of-function variants in TMEM67 are known to be pathogenic (PMID: 20232449, 23559409). This variant is not present in population databases (gnomAD no frequency). This variant has not been reported in the literature in individuals affected with TMEM67-related conditions. For these reasons, this variant has been classified as Pathogenic.

Literature cited by the submitters: PubMed 20232449; PubMed 23559409.

NM_153704.6(TMEM67):c.267_294del (p.Asn89fs)

Gene: TMEM67 (transmembrane protein 67; plus strand). Cytogenetic location: 8q22.1.
Variant type: Deletion.
Coding change: c.267_294del on transcript NM_153704.6 (MANE Select); coding-DNA positions 267 to 294, 28 bases deleted (TAATGGAGGACCTGCTATTATTTGTAAA).
Protein change: p.Asn89fs; shifts the reading frame from asparagine 89.
Molecular consequence: frameshift variant. On other transcripts: non-coding transcript variant (1), intron variant (1).
Genome position (GRCh38, 1-based): chr8:93,755,821-93,755,848, TAATGGAGGACCTGCTATTATTTGTAAA deleted; deleting any 28 consecutive bases within chr8:93,755,819-93,755,848 gives the same sequence; the c. name uses the placement nearest the transcript's 3' end. VCF-style (leftmost placement, unchanged base first): chr8-93755818-TAATAATGGAGGACCTGCTATTATTTGTA-T. GRCh37 (hg19) VCF-style: chr8-94768046-TAATAATGGAGGACCTGCTATTATTTGTA-T.
Other names: c.-62+684_-62+711del (NM_001142301.1); short protein forms N89fs.
Identifiers: ClinVar variation 2921413 (VCV002921413.3), dbSNP rs2536756723, ClinGen allele CA2740095069.
Genomic context (GRCh38, chr8:93,755,818, plus strand): 5'-TTTTTTTTTTTTTTTTTTAGGAACTTCATGTGTATGTCTACCAGGATTTCAGATGATCTC[TAATAATGGAGGACCTGCTATTATTTGTA>T]AAAAGTGCCCAGAAAACATGGTGCGCATAATTTATTTTAAAATAACTTACCTGTAAAAAG-3'